The following is an entry in ClinVar:

ClinVar aggregate classification (germline): Uncertain significance. Review status: criteria provided, multiple submitters, no conflicts (2 of 4 stars). 2 submissions from 2 submitters: Uncertain significance (2). Last evaluated 2025-04-03.

Conditions:
Inborn genetic diseases. Identifiers: MedGen C0950123, MeSH D030342.

Allele frequency attached by ClinVar (database versions not stated): gnomAD exomes 0.00001.
gnomAD v4.1: 9 of 1,603,392 alleles (0.00056%); highest among the groups gnomAD compares: Non-Finnish European, 0.00068%; no homozygotes.

Submissions (2):

Ambry Genetics
Classification: Uncertain significance for Inborn genetic diseases. Last evaluated: 2025-04-03. Review status: criteria provided, single submitter. Criteria: Ambry Variant Classification Scheme 2023. Collection method: clinical testing. Allele origin: germline.

Labcorp Genetics (formerly Invitae), Labcorp
Classification: Uncertain significance. Last evaluated: 2023-10-14. Review status: criteria provided, single submitter. Criteria: Invitae Variant Classification Sherloc (09022015). Collection method: clinical testing. Allele origin: germline.
Comment: This sequence change replaces aspartic acid, which is acidic and polar, with asparagine, which is neutral and polar, at codon 11 of the ACTN1 protein (p.Asp11Asn). This variant is not present in population databases (gnomAD no frequency). This variant has not been reported in the literature in individuals affected with ACTN1-related conditions. An algorithm developed to predict the effect of missense changes on protein structure and function (PolyPhen-2) suggests that this variant is likely to be tolerated. In summary, the available evidence is currently insufficient to determine the role of this variant in disease. Therefore, it has been classified as a Variant of Uncertain Significance.

NM_001130004.2(ACTN1):c.31G>A (p.Asp11Asn)

Gene: ACTN1 (actinin alpha 1; minus strand). Cytogenetic location: 14q24.1.
Variant type: single nucleotide variant.
Coding change: c.31G>A on transcript NM_001130004.2 (MANE Select); coding-DNA position 31, G replaced by A.
Protein change: p.Asp11Asn; replaces aspartic acid 11 with asparagine.
Molecular consequence: missense variant. On other transcripts: 5 prime UTR variant (1).
Genome position (GRCh38, 1-based): chr14:68,979,026, C>T on the plus strand (G>A on the coding strand, the complement: ACTN1 is on the minus strand). VCF-style: chr14-68979026-C-T. GRCh37 (hg19) VCF-style: chr14-69445743-C-T.
Other names: c.31G>A, p.Asp11Asn (NM_001102.4, NM_001130005.2, NM_001411035.1 and 10 more transcripts); c.-880G>A (NM_001424030.1); short protein forms D11N.
Identifiers: ClinVar variation 3005972 (VCV003005972.4), dbSNP rs1485763828, ClinGen allele CA390187476.
Genomic context (GRCh38, chr14:68,979,026, plus strand): 5'-TCTCCCAGGCCGGGTCCAGGAGCAGGTCCCGGTCCCAGTCCTCTTCTGGCTGCATGTAAT[C>T]GTTGGTTTGCTGAGAATCATAATGGTCCATGATGGTGCGCGCGTGCTAGGGTCTGGATTT-3'
Protein context (NP_001123476.1, residues 1-21): MDHYDSQQTN[Asp11Asn]YMQPEEDWDR